The following is an entry in ClinVar:

NM_002516.4(NOVA2):c.547A>G (p.Ser183Gly)

Gene: NOVA2 (NOVA alternative splicing regulator 2; minus strand). Cytogenetic location: 19q13.32.
Variant type: single nucleotide variant.
Coding change: c.547A>G on transcript NM_002516.4 (MANE Select); coding-DNA position 547, A replaced by G.
Protein change: p.Ser183Gly; replaces serine 183 with glycine.
Molecular consequence: missense variant.
Genome position (GRCh38, 1-based): chr19:45,940,795, T>C on the plus strand (A>G on the coding strand, the complement: NOVA2 is on the minus strand). VCF-style: chr19-45940795-T-C. GRCh37 (hg19) VCF-style: chr19-46444053-T-C.
Other names: short protein forms S183G.
Identifiers: ClinVar variation 4686951 (VCV004686951.1).

ClinVar aggregate classification (germline): Uncertain significance (1 of 4 stars; one submission).

Submission:

GeneDx
Classification: Uncertain significance. Last evaluated: 2025-07-20. Review status: criteria provided, single submitter. Criteria: GeneDx Variant Classification Process June 2021. Collection method: clinical testing. Allele origin: germline. Affected: yes.
Comment: Not observed at significant frequency in large population cohorts (gnomAD); In silico analysis supports that this missense variant has a deleterious effect on protein structure/function; Has not been previously published as pathogenic or benign to our knowledge